The following is an entry in ClinVar:

NM_000069.3(CACNA1S):c.3173A>G (p.Asn1058Ser)

Gene: CACNA1S (calcium voltage-gated channel subunit alpha1 S; minus strand). Cytogenetic location: 1q32.1.
Variant type: single nucleotide variant.
Coding change: c.3173A>G on transcript NM_000069.3 (MANE Select); coding-DNA position 3173, A replaced by G.
Protein change: p.Asn1058Ser; replaces asparagine 1058 with serine.
Molecular consequence: missense variant.
Genome position (GRCh38, 1-based): chr1:201,061,349, T>C on the plus strand (A>G on the coding strand, the complement: CACNA1S is on the minus strand). VCF-style: chr1-201061349-T-C. GRCh37 (hg19) VCF-style: chr1-201030477-T-C.
Other names: short protein forms N1058S.
Identifiers: ClinVar variation 1518422 (VCV001518422.8), dbSNP rs777876303, ClinGen allele CA079578.
Genomic context (GRCh38, chr1:201,061,349, plus strand): 5'-TTCTTGTACTCAGTCTCTCCCTGCTCCTGGAAGGTGACAATGACGAAGCCCACAAAGATG[T>C]TCATCATGAAGAAGGCAATGAGGATGATGTAGATGATGAAGAAGATGGCCATCTCCACAC-3'
Protein context (NP_000060.2, residues 1048-1068): YIILIAFFMM[Asn1058Ser]IFVGFVIVTF

ClinVar aggregate classification (germline): Uncertain significance. Review status: criteria provided, multiple submitters, no conflicts (2 of 4 stars). 4 submissions from 4 submitters: Uncertain significance (4). Last evaluated 2024-06-09.

Conditions:
Hypokalemic periodic paralysis, type 1. Also called: HypoPP; Hypokalemic Periodic Paralysis Type 1 (AD). Identifiers: Orphanet 681, MedGen C3714580, MONDO:0042979, OMIM 170400.
Malignant hyperthermia, susceptibility to, 5 (MHS5). Also called: CACNA1S-Related Malignant Hyperthermia Susceptibility. Identifiers: Orphanet 423, MedGen C1866077, MONDO:0011163, OMIM 601887.
Congenital myopathy 18. Also called: DIHYDROPYRIDINE RECEPTOR CONGENITAL MYOPATHY; DHPR CONGENITAL MYOPATHY; Myopathy, congenital, due to dihydropyridine receptor defect. Identifiers: MedGen C5830283, MONDO:0859514, OMIM 620246.
Thyrotoxic periodic paralysis, susceptibility to, 1 (TTPP1). Identifiers: Orphanet 79102, MedGen C2749982, MONDO:0008570, OMIM 188580.

Allele frequency attached by ClinVar (database versions not stated): gnomAD exomes below 0.00001 and 0.00001; ExAC 0.00001; gnomAD 0.00001; TOPMed 0.00002.
gnomAD v4.1: 7 of 1,614,094 alleles (0.00043%); highest among the groups gnomAD compares: Non-Finnish European, 0.00059%; no homozygotes.

Submissions (4):

Fulgent Genetics
Classification: Uncertain significance for Hypokalemic periodic paralysis, type 1; Thyrotoxic periodic paralysis, susceptibility to, 1; Malignant hyperthermia, susceptibility to, 5; Congenital myopathy 18. Last evaluated: 2024-06-09. Review status: criteria provided, single submitter. Criteria: ACMG Guidelines, 2015. Collection method: clinical testing. Allele origin: germline.

Women's Health and Genetics/Laboratory Corporation of America, LabCorp
Classification: Uncertain significance. Last evaluated: 2024-03-06. Review status: criteria provided, single submitter. Criteria: LabCorp Variant Classification Summary - May 2015. Collection method: clinical testing. Allele origin: germline.
Comment: Variant summary: CACNA1S c.3173A>G (p.Asn1058Ser) results in a conservative amino acid change in the encoded protein sequence. Four of five in-silico tools predict a damaging effect of the variant on protein function. The variant allele was found at a frequency of 8e-06 in 251484 control chromosomes (gnomAD). The available data on variant occurrences in the general population are insufficient to allow any conclusion about variant significance. To our knowledge, no occurrence of c.3173A>G in individuals affected with Hypokalemic Periodic Paralysis and no experimental evidence demonstrating its impact on protein function have been reported. ClinVar contains an entry for this variant (Variation ID: 1518422). Based on the evidence outlined above, the variant was classified as uncertain significance.

Labcorp Genetics (formerly Invitae), Labcorp
Classification: Uncertain significance for Hypokalemic periodic paralysis, type 1; Malignant hyperthermia, susceptibility to, 5. Last evaluated: 2023-11-19. Review status: criteria provided, single submitter. Criteria: Invitae Variant Classification Sherloc (09022015). Collection method: clinical testing. Allele origin: germline.
Comment: This sequence change replaces asparagine, which is neutral and polar, with serine, which is neutral and polar, at codon 1058 of the CACNA1S protein (p.Asn1058Ser). This variant is present in population databases (rs777876303, gnomAD 0.002%). This variant has not been reported in the literature in individuals affected with CACNA1S-related conditions. ClinVar contains an entry for this variant (Variation ID: 1518422). Advanced modeling of protein sequence and biophysical properties (such as structural, functional, and spatial information, amino acid conservation, physicochemical variation, residue mobility, and thermodynamic stability) performed at Invitae indicates that this missense variant is expected to disrupt CACNA1S protein function with a positive predictive value of 80%. In summary, the available evidence is currently insufficient to determine the role of this variant in disease. Therefore, it has been classified as a Variant of Uncertain Significance.

Color Diagnostics, LLC DBA Color Health
Classification: Uncertain significance for Malignant hyperthermia, susceptibility to, 5. Last evaluated: 2023-11-07. Review status: criteria provided, single submitter. Criteria: ACMG Guidelines, 2015. Collection method: clinical testing. Allele origin: germline.
Comment: This missense variant replaces asparagine with serine at codon 1058 of the CACNA1S protein. Computational prediction suggests that this variant may have deleterious impact on protein structure and function. To our knowledge, functional studies have not been reported for this variant. This variant has not been reported in individuals affected with CACNA1S-related disorders in the literature. This variant has been identified in 2/251484 chromosomes in the general population by the Genome Aggregation Database (gnomAD). The available evidence is insufficient to determine the role of this variant in disease conclusively. Therefore, this variant is classified as a Variant of Uncertain Significance.